The following is an entry in ClinVar:

ClinVar aggregate classification (germline): Conflicting classifications of pathogenicity. Review status: criteria provided, conflicting classifications (1 of 4 stars). 2 submissions from 2 submitters: Uncertain significance (1); Likely benign (1). Last evaluated 2024-11-18.

Conditions:
Inborn genetic diseases. Identifiers: MedGen C0950123, MeSH D030342.
Primary pulmonary hypertension. Also called: Idiopathic pulmonary hypertension. Identifiers: MedGen C0152171.

Allele frequency attached by ClinVar (database versions not stated): ExAC 0.00001; gnomAD exomes 0.00002; TOPMed 0.00003; gnomAD 0.00004; ESP Exome Variant Server 0.00008.
gnomAD v4.1: 32 of 1,613,186 alleles (0.002%); highest among the groups gnomAD compares: African/African-American, 0.012%; no homozygotes.

Submissions (2):

Ambry Genetics
Classification: Uncertain significance for Inborn genetic diseases. Last evaluated: 2024-11-18. Review status: criteria provided, single submitter. Criteria: Ambry Variant Classification Scheme 2023. Collection method: clinical testing. Allele origin: germline.
Comment: The p.R857Q variant (also known as c.2570G>A), located in coding exon 12 of the BMPR2 gene, results from a G to A substitution at nucleotide position 2570. The arginine at codon 857 is replaced by glutamine, an amino acid with highly similar properties. This amino acid position is conserved. In addition, the in silico prediction for this alteration is inconclusive. Based on the available evidence, the clinical significance of this variant remains unclear.

Labcorp Genetics (formerly Invitae), Labcorp
Classification: Likely benign for Primary pulmonary hypertension. Last evaluated: 2022-05-19. Review status: criteria provided, single submitter. Criteria: Invitae Variant Classification Sherloc (09022015). Collection method: clinical testing. Allele origin: germline.

NM_001204.7(BMPR2):c.2570G>A (p.Arg857Gln)

Gene: BMPR2 (bone morphogenetic protein receptor type 2; plus strand). Cytogenetic location: 2q33.2.
Variant type: single nucleotide variant.
Coding change: c.2570G>A on transcript NM_001204.7 (MANE Select); coding-DNA position 2570, G replaced by A.
Protein change: p.Arg857Gln; replaces arginine 857 with glutamine.
Molecular consequence: missense variant.
Genome position (GRCh38, 1-based): chr2:202,556,235, G>A. VCF-style: chr2-202556235-G-A. GRCh37 (hg19) VCF-style: chr2-203420958-G-A.
Other names: short protein forms R857Q.
Identifiers: ClinVar variation 2145893 (VCV002145893.6), dbSNP rs373186884, ClinGen allele CA2061550.